The following is an entry in ClinVar:

ClinVar aggregate classification (germline): Uncertain significance (1 of 4 stars; one submission).

Conditions:
Hereditary pancreatitis (PCTT). Also called: PRSS1-Related Hereditary Pancreatitis; Hereditary chronic pancreatitis. Identifiers: Orphanet 676, MedGen C0238339, MONDO:0008185, OMIM 167800.

gnomAD v4.1: 1 of 1,614,176 alleles (0.000062%); highest among the groups gnomAD compares: South Asian, 0.0011%; no homozygotes.

Submission:

Ambry Genetics
Classification: Uncertain significance for Hereditary pancreatitis. Last evaluated: 2024-06-11. Review status: criteria provided, single submitter. Criteria: Ambry Variant Classification Scheme 2023. Collection method: clinical testing. Allele origin: germline.
Comment: The p.G74E variant (also known as c.221G>A), located in coding exon 3 of the PRSS1 gene, results from a G to A substitution at nucleotide position 221. The glycine at codon 74 is replaced by glutamic acid, an amino acid with similar properties. This amino acid position is conserved. In addition, this alteration is predicted to be deleterious by in silico analysis. Based on the available evidence, the clinical significance of this variant remains unclear.

NM_002769.5(PRSS1):c.221G>A (p.Gly74Glu)

Genes: PRSS1 (serine protease 1; plus strand), TRB (T cell receptor beta locus; plus strand). Cytogenetic location: 7q34.
Variant type: single nucleotide variant.
Coding change: c.221G>A on transcript NM_002769.5 (MANE Select); coding-DNA position 221, G replaced by A.
Protein change: p.Gly74Glu; replaces glycine 74 with glutamic acid.
Molecular consequence: missense variant. On other transcripts: non-coding transcript variant (2).
Genome position (GRCh38, 1-based): chr7:142,751,794, G>A. VCF-style: chr7-142751794-G-A. GRCh37 (hg19) VCF-style: chr7-142459645-G-A.
Other names: short protein forms G74E.
Identifiers: ClinVar variation 3310662 (VCV003310662.1).